The following is an entry in ClinVar:

NM_000512.5(GALNS):c.943G>C (p.Glu315Gln)

Gene: GALNS (galactosamine (N-acetyl)-6-sulfatase; minus strand). Cytogenetic location: 16q24.3.
Variant type: single nucleotide variant.
Coding change: c.943G>C on transcript NM_000512.5 (MANE Select); coding-DNA position 943, G replaced by C.
Protein change: p.Glu315Gln; replaces glutamic acid 315 with glutamine.
Molecular consequence: missense variant.
Genome position (GRCh38, 1-based): chr16:88,832,057, C>G on the plus strand (G>C on the coding strand, the complement: GALNS is on the minus strand). VCF-style: chr16-88832057-C-G. GRCh37 (hg19) VCF-style: chr16-88898465-C-G.
Other names: c.388G>C, p.Glu130Gln (NM_001323543.2); c.961G>C, p.Glu321Gln (NM_001323544.2); short protein forms E130Q, E315Q, E321Q.
Identifiers: ClinVar variation 1048307 (VCV001048307.3), dbSNP rs2142999177, ClinGen allele CA397101257.

ClinVar aggregate classification (germline): Uncertain significance (1 of 4 stars; one submission).

Conditions:
Mucopolysaccharidosis, MPS-IV-A (MPS4A). Also called: Mucopolysaccharidosis type IV A; Mucopolysaccharidosis Type IVA; Morquio syndrome A, mild; MORQUIO SYNDROME A; MPS IVA; mucopolysaccharidosis type 4A. Identifiers: Orphanet 309297, Orphanet 582, MedGen C0086651, MONDO:0009659, OMIM 253000.

Submission:

Laboratory of Diagnosis and Therapy of Lysosomal Disorders, University of Padova
Classification: Uncertain significance for Mucopolysaccharidosis, MPS-IV-A. Last evaluated: 2021-02-01. Review status: criteria provided, single submitter. Criteria: ACMG Guidelines, 2015. Collection method: research. Allele origin: germline. Affected: yes.
Comment: Absent from gnomAD v2.1.1 (PM2_moderate); multiple lines of computational evidence support a deleterious effect on the gene (PP3_supporting)

Literature cited by the submitters: PubMed 34387910.